The following is an entry in ClinVar:

NM_001267550.2(TTN):c.105805del (p.Thr35269fs)

Genes: TTN (titin; minus strand), TTN-AS1 (TTN antisense RNA 1; plus strand), LOC129935183 (ATAC-STARR-seq lymphoblastoid active region 16808; plus strand). Cytogenetic location: 2q31.2.
Variant type: Deletion.
Coding change: c.105805del on transcript NM_001267550.2 (MANE Select); coding-DNA position 105805, one base deleted (A; older notation c.105805delA).
Protein change: p.Thr35269fs; shifts the reading frame from threonine 35269.
Molecular consequence: frameshift variant.
Genome position (GRCh38, 1-based): chr2:178,530,810, T deleted on the plus strand (A on the coding strand, the reverse complement: TTN is on the minus strand). VCF-style (leftmost placement, unchanged base first): chr2-178530809-GT-G. GRCh37 (hg19) VCF-style: chr2-179395536-GT-G.
Other names: c.100882delA (NM_001256850.1); c.100882del, p.Thr33628fs (NM_001256850.1); c.78610del, p.Thr26204fs (NM_003319.4); c.98101del, p.Thr32701fs (NM_133378.4); c.78985del, p.Thr26329fs (NM_133432.3); c.79186del, p.Thr26396fs (NM_133437.4); c.78610delA (NM_003319.4); short protein forms T32701fs, T33628fs, T35269fs, T26204fs, T26329fs, T26396fs.
Identifiers: ClinVar variation 196656 (VCV000196656.26), dbSNP rs752787097, ClinGen allele CA243699.

ClinVar aggregate classification (germline): Conflicting classifications of pathogenicity. Review status: criteria provided, conflicting classifications (1 of 4 stars). 5 submissions from 5 submitters: Pathogenic (2); Likely pathogenic (2); Uncertain significance (1). Last evaluated 2026-06-09.

Conditions:
TTN-related disorder. Also called: TTN-related condition; TTN-related disease; TTN-related disorders.
Cardiovascular phenotype. Identifiers: MedGen CN230736.
Autosomal recessive limb-girdle muscular dystrophy type 2J (LGMDR10). Also called: MUSCULAR DYSTROPHY, LIMB-GIRDLE, AUTOSOMAL RECESSIVE 10; Limb-girdle muscular dystrophy, type 2J. Identifiers: Orphanet 140922, MedGen C1837342, MONDO:0012127, OMIM 608807.
Dilated cardiomyopathy 1G (CMD1G). Identifiers: Orphanet 154, MedGen C1858763, MONDO:0011400, OMIM 604145.

Allele frequency attached by ClinVar (database versions not stated): TOPMed below 0.00001; ExAC 0.00001; gnomAD 0.00001; gnomAD exomes 0.00001.

Submissions (5):

Ambry Genetics
Classification: Likely pathogenic for Cardiovascular phenotype. Last evaluated: 2026-06-09. Review status: criteria provided, single submitter. Criteria: Ambry Variant Classification Scheme 2023. Collection method: clinical testing. Allele origin: germline.
Comment: The c.78610delA variant, located in coding exon 185 of the TTN gene, results from a deletion of one nucleotide at nucleotide position 78610, causing a translational frameshift with a predicted alternate stop codon (p.T26204Qfs*24). This exon is located in the M-band region of the N2-B isoform of the titin protein and is constitutively expressed in TTN transcripts (percent spliced in or PSI 100%). This variant (referred to as c.105805delA, p.Thr35269Glnfs*24) occurred with a second TTN frameshift variant in an individual from a congenital titinopathy cohort who was not reported to have cardiac involvement; however, additional clinical details were limited (Oates EC et al. Ann Neurol, 2018 06;83:1105-1124). This variant is expected to result in loss of function by premature protein truncation or nonsense-mediated mRNA decay. While truncating variants in TTN are present in 1-3% of the general population, truncating variants in the M-band have been reported in association with autosomal recessive titinopathies, primarily presenting with skeletal myopathy phenotypes (Ceyhan-Birsoy O et al. Neurology. 2013 Oct 1;81(14):1205-14; De Cid R et al. Neurology. 2015;85(24):2126-35). Truncating variants in coding exon 185 of the M-band of the N2-B isoform have also been specifically associated with autosomal dominant dilated cardiomyopathy (Vatta M et al. Circ GenomPrecis Med. 2025 Feb:e004982). More generally, TTN truncating variants encoded in constitutive exons (PSI >90%) have been found to be significantly associated with dilated cardiomyopathy (DCM) regardless of their position, although truncating variants in the A-band are the most common cause of DCM (Herman DS et al. N. Engl. J. Med., 2012 Feb;366:619-28; Roberts AM et al. Sci Transl Med, 2015 Jan;7:270ra6; Schafer S et al. Nat. Genet., 2017 01;49:46-53; Akhtar MM et al. Circ Heart Fail, 2020 Oct;13:e006832; Massier M et al. Clin Genet, 2025 Jan). Based on the majority of available evidence to date, this variant is likely to be pathogenic.

GeneDx
Classification: Pathogenic. Last evaluated: 2024-11-27. Review status: criteria provided, single submitter. Criteria: GeneDx Variant Classification Process June 2021. Collection method: clinical testing. Allele origin: germline. Affected: yes.
Comment: Located in the M-line region of TTN in which the majority of loss of function variants have been associated with autosomal recessive titinopathies (PMID: 17444505); Frameshift variant predicted to result in protein truncation or nonsense mediated decay in a gene for which loss of function is a known mechanism of disease; Not observed at significant frequency in large population cohorts (gnomAD); This variant is associated with the following publications: (PMID: 32778822, 29691892, 17444505, 31691645)

Blueprint Genetics
Classification: Likely pathogenic for TTN-related disorders. Last evaluated: 2024-10-04. Review status: criteria provided, single submitter. Criteria: ACMG Guidelines, 2015. Collection method: clinical testing. Allele origin: germline. Affected: yes. Observed: 4 variant alleles.

Labcorp Genetics (formerly Invitae), Labcorp
Classification: Pathogenic for Dilated cardiomyopathy 1G; Autosomal recessive limb-girdle muscular dystrophy type 2J. Last evaluated: 2024-04-25. Review status: criteria provided, single submitter. Criteria: Invitae Variant Classification Sherloc (09022015). Collection method: clinical testing. Allele origin: germline.
Comment: This sequence change creates a premature translational stop signal (p.Thr35269Glnfs*24) in the TTN gene. While this is not anticipated to result in nonsense mediated decay, it is expected to create a truncated TTN protein. This variant is present in population databases (rs752787097, gnomAD 0.002%). This premature translational stop signal has been observed in individual(s) with autosomal recessive congenital titinopathy (PMID: 29691892). In at least one individual the data is consistent with being in trans (on the opposite chromosome) from a pathogenic variant. ClinVar contains an entry for this variant (Variation ID: 196656). This variant is located in the M band of TTN (PMID: 25589632). Truncating variants in this region have been previously reported in individuals affected with autosomal recessive myopathy and muscular dystrophy (PMID: 18948003, 23975875, 24395473). Truncating variants in this region have also been identified in individuals affected with autosomal dominant dilated cardiomyopathy and/or cardio-related conditions (PMID: 27869827, 32964742, Invitae internal data). For these reasons, this variant has been classified as Pathogenic.

Eurofins Ntd Llc (ga)
Classification: Uncertain significance. Last evaluated: 2014-06-02. Review status: criteria provided, single submitter. Criteria: EGL Classification Definitions 2015. Collection method: clinical testing. Allele origin: germline. Observed: 2 variant alleles, 2 heterozygotes.

Literature cited by the submitters: PubMed 29691892 (cited by Ambry Genetics and Labcorp Genetics (formerly Invitae), Labcorp); PubMed 25589632 (cited by Labcorp Genetics (formerly Invitae), Labcorp); PubMed 18948003 (cited by Labcorp Genetics (formerly Invitae), Labcorp); PubMed 23975875 (cited by Labcorp Genetics (formerly Invitae), Labcorp); PubMed 24395473 (cited by Labcorp Genetics (formerly Invitae), Labcorp); PubMed 27869827 (cited by Labcorp Genetics (formerly Invitae), Labcorp); PubMed 32964742 (cited by Labcorp Genetics (formerly Invitae), Labcorp).